The following is an entry in ClinVar:

NM_001395159.1(UNC79):c.7576A>G (p.Ile2526Val)

Gene: UNC79 (unc-79 homolog, NALCN channel complex subunit; plus strand). Cytogenetic location: 14q32.12.
Variant type: single nucleotide variant.
Coding change: c.7576A>G on transcript NM_001395159.1 (MANE Select); coding-DNA position 7576, A replaced by G.
Protein change: p.Ile2526Val; replaces isoleucine 2526 with valine.
Molecular consequence: missense variant.
Genome position (GRCh38, 1-based): chr14:93,690,274, A>G. VCF-style: chr14-93690274-A-G. GRCh37 (hg19) VCF-style: chr14-94156620-A-G.
Other names: c.7510A>G, p.Ile2504Val (NM_001346218.2); c.6829A>G, p.Ile2277Val (NM_020818.5); short protein forms I2277V, I2504V, I2526V.
Identifiers: ClinVar variation 3392707 (VCV003392707.1).
Genomic context (GRCh38, chr14:93,690,274, plus strand): 5'-TCTCCCTGCCTGCCCATTCCTCTGGATGCAGGCTCCCACGTTGCAGACCATCTTATTGTT[A>G]TCCTGATTGGATTTCCAGAGCAATCAAAGGTAAGTGATTTCTGCAAGATTAAGACCGTAT-3'
Protein context (NP_001382088.1, residues 2516-2536): GSHVADHLIV[Ile2526Val]LIGFPEQSKT

ClinVar aggregate classification (germline): Uncertain significance (1 of 4 stars; one submission).

Submission:

GeneDx
Classification: Uncertain significance. Last evaluated: 2024-06-27. Review status: criteria provided, single submitter. Criteria: GeneDx Variant Classification Process June 2021. Collection method: clinical testing. Allele origin: germline. Affected: yes.
Comment: Not observed at significant frequency in large population cohorts (gnomAD); In silico analysis indicates that this missense variant does not alter protein structure/function; Has not been previously published as pathogenic or benign to our knowledge